The following is an entry in ClinVar:

NM_001377.3(DYNC2H1):c.10024C>T (p.Arg3342Ter)

Gene: DYNC2H1 (dynein cytoplasmic 2 heavy chain 1; plus strand). Cytogenetic location: 11q22.3.
Variant type: single nucleotide variant.
Coding change: c.10024C>T on transcript NM_001377.3 (MANE Select); coding-DNA position 10024, C replaced by T.
Protein change: p.Arg3342Ter; replaces arginine 3342 with a stop codon.
Molecular consequence: nonsense.
Genome position (GRCh38, 1-based): chr11:103,245,356, C>T. VCF-style: chr11-103245356-C-T. GRCh37 (hg19) VCF-style: chr11-103116085-C-T.
Other names: c.10045C>T, p.Arg3349Ter (NM_001080463.2); short protein forms R3349*, R3342*.
Identifiers: ClinVar variation 595515 (VCV000595515.12), dbSNP rs751891969, ClinGen allele CA6254847.
Genomic context (GRCh38, chr11:103,245,356, plus strand): 5'-AAAACCCTTATTATACAAGAGATGGATGGTGTAGAACCTGTTCTTTATCCATTATTGAGA[C>T]GAGATCTGGTTGCTCAAGGTAAATAATTGACACTTTCCAGAGTGTAAATATTTTTAAAAT-3'

ClinVar aggregate classification (germline): Pathogenic/Likely pathogenic. Review status: criteria provided, multiple submitters, no conflicts (2 of 4 stars). 5 submissions from 5 submitters: Pathogenic (3); Likely pathogenic (2). Last evaluated 2025-12-29.

Conditions:
Jeune thoracic dystrophy. Also called: Infantile thoracic dystrophy; Thoracic pelvic phalangeal dystrophy; Jeune's syndrome; Chondroectodermal dysplasia-like syndrome; Jeune syndrome; Short-rib thoracic dysplasia. Identifiers: Orphanet 474, MedGen C0265275, MONDO:0018770.
Asphyxiating thoracic dystrophy 3. Also called: SHORT-RIB THORACIC DYSPLASIA 3 WITH OR WITHOUT POLYDACTYLY; POLYDACTYLY WITH NEONATAL CHONDRODYSTROPHY, TYPE I; SHORT-RIB THORACIC DYSPLASIA 3/6 WITH POLYDACTYLY, DIGENIC; Short rib polydactyly syndrome 2B; Saldino-Noonan Syndrome. Identifiers: Orphanet 474, Orphanet 93269, Orphanet 93270, Orphanet 93271, MedGen C0036069, MONDO:0013127, OMIM 613091.

Allele frequency attached by ClinVar (database versions not stated): TOPMed below 0.00001; gnomAD exomes 0.00001 and 0.00002; ExAC 0.00003.
gnomAD v4.1: 16 of 1,585,496 alleles (0.001%); highest among the groups gnomAD compares: Admixed American, 0.0053%; no homozygotes.

Submissions (5):

Labcorp Genetics (formerly Invitae), Labcorp
Classification: Pathogenic for Jeune thoracic dystrophy. Last evaluated: 2025-12-29. Review status: criteria provided, single submitter. Criteria: Invitae Variant Classification Sherloc (09022015). Collection method: clinical testing. Allele origin: germline.
Comment: This sequence change creates a premature translational stop signal (p.Arg3349*) in the DYNC2H1 gene. It is expected to result in an absent or disrupted protein product. Loss-of-function variants in DYNC2H1 are known to be pathogenic (PMID: 23339108, 32753734, 33755199). The frequency data for this variant in the population databases is considered unreliable, as metrics indicate poor data quality at this position in the gnomAD database. This variant has not been reported in the literature in individuals affected with DYNC2H1-related conditions. ClinVar contains an entry for this variant (Variation ID: 595515). For these reasons, this variant has been classified as Pathogenic.

Fulgent Genetics
Classification: Likely pathogenic for Asphyxiating thoracic dystrophy 3. Last evaluated: 2024-06-10. Review status: criteria provided, single submitter. Criteria: ACMG Guidelines, 2015. Collection method: clinical testing. Allele origin: germline.

Myriad Genetics, Inc.
Classification: Pathogenic for Asphyxiating thoracic dystrophy 3. Last evaluated: 2024-04-22. Review status: criteria provided, single submitter. Criteria: Myriad Autosomal Dominant, Autosomal Recessive and X-Linked Classification Criteria (2023). Collection method: clinical testing. Allele origin: unknown.
Comment: NM_001377.2(DYNC2H1):c.10024C>T(R3342*) is expected to be pathogenic in the context of DYNC2H1-related disorders. This variant is predicted to lead to an abnormal or absent protein product due to the creation of a premature termination codon in DYNC2H1, a gene where loss-of-function variants are known to be pathogenic. Please note: this variant was assessed in the context of healthy population screening.

Eurofins Ntd Llc (ga)
Classification: Pathogenic. Last evaluated: 2017-12-27. Review status: criteria provided, single submitter. Criteria: EGL Classification Definitions 2015. Collection method: clinical testing. Allele origin: germline. Observed: 1 variant allele, 1 heterozygote.

Juno Genomics, Hangzhou Juno Genomics, Inc
Classification: Likely pathogenic for Asphyxiating thoracic dystrophy 3. Review status: criteria provided, single submitter. Criteria: ACMG Guidelines, 2015. Collection method: clinical testing. Allele origin: germline.
Comment: Null variant in a gene where loss of function (LOF) is a known mechanism of disease.;Absent from controls (or at extremely low frequency if recessive) in Genome Aggregation Database.

Literature cited by the submitters: PubMed 23339108 (cited by Labcorp Genetics (formerly Invitae), Labcorp); PubMed 32753734 (cited by Labcorp Genetics (formerly Invitae), Labcorp); PubMed 33755199 (cited by Labcorp Genetics (formerly Invitae), Labcorp).